The following is an entry in ClinVar:

ClinVar aggregate classification (germline): Uncertain significance (1 of 4 stars; one submission).

Allele frequency attached by ClinVar (database versions not stated): gnomAD exomes below 0.00001; ExAC 0.00001; gnomAD 0.00001; TOPMed 0.00001.
gnomAD v4.1: 4 of 1,592,934 alleles (0.00025%); highest among the groups gnomAD compares: Non-Finnish European, 0.00034%; no homozygotes.

Submission:

Ambry Genetics
Classification: Uncertain significance. Last evaluated: 2023-02-21. Review status: criteria provided, single submitter. Criteria: Ambry Variant Classification Scheme 2023. Collection method: clinical testing. Allele origin: germline.
Comment: The p.P1159R variant (also known as c.3476C>G), located in coding exon 30 of the PRKDC gene, results from a C to G substitution at nucleotide position 3476. The proline at codon 1159 is replaced by arginine, an amino acid with dissimilar properties. This amino acid position is conserved. In addition, this alteration is predicted to be tolerated by in silico analysis. Since supporting evidence is limited at this time, the clinical significance of this alteration remains unclear.

NM_006904.7(PRKDC):c.3476C>G (p.Pro1159Arg)

Gene: PRKDC (protein kinase, DNA-activated, catalytic subunit; minus strand). Cytogenetic location: 8q11.21.
Variant type: single nucleotide variant.
Coding change: c.3476C>G on transcript NM_006904.7 (MANE Select); coding-DNA position 3476, C replaced by G.
Protein change: p.Pro1159Arg; replaces proline 1159 with arginine.
Molecular consequence: missense variant.
Genome position (GRCh38, 1-based): chr8:47,897,283, G>C on the plus strand (C>G on the coding strand, the complement: PRKDC is on the minus strand). VCF-style: chr8-47897283-G-C. GRCh37 (hg19) VCF-style: chr8-48809843-G-C.
Other names: c.3476C>G, p.Pro1159Arg (NM_001081640.2); short protein forms P1159R.
Identifiers: ClinVar variation 2497366 (VCV002497366.2), dbSNP rs752542371, ClinGen allele CA4741163.
Genomic context (GRCh38, chr8:47,897,283, plus strand): 5'-GGCCTCCCACAATGAGCTAAAAGCCACTTGACCAGATCCAATAAACACAATGATGCGGAA[G>C]GTGGAAATCCTCTGCACAGAGACAGCATACTGTCATTAGTCCCTCTCCAACATGCAACAT-3'
Protein context (NP_008835.5, residues 1149-1169): KKRRLPRGFP[Pro1159Arg]SASLCLLDLV